The following is an entry in ClinVar:

NM_024675.4(PALB2):c.2444C>T (p.Ser815Leu)

Gene: PALB2 (partner and localizer of BRCA2; minus strand). Cytogenetic location: 16p12.2.
Variant type: single nucleotide variant.
Coding change: c.2444C>T on transcript NM_024675.4 (MANE Select); coding-DNA position 2444, C replaced by T.
Protein change: p.Ser815Leu; replaces serine 815 with leucine.
Molecular consequence: missense variant.
Genome position (GRCh38, 1-based): chr16:23,629,710, G>A on the plus strand (C>T on the coding strand, the complement: PALB2 is on the minus strand). VCF-style: chr16-23629710-G-A. GRCh37 (hg19) VCF-style: chr16-23641031-G-A.
Other names: p.Ser815Leu; short protein forms S815L.
Identifiers: ClinVar variation 246052 (VCV000246052.24), dbSNP rs879254068, ClinGen allele CA10584510.

ClinVar aggregate classification (germline): Uncertain significance. Review status: criteria provided, multiple submitters, no conflicts (2 of 4 stars). 5 submissions from 5 submitters: Uncertain significance (5). Last evaluated 2025-09-19.

Conditions:
Hereditary cancer-predisposing syndrome. Also called: Hereditary neoplastic syndrome; Neoplastic Syndromes, Hereditary; Tumor predisposition; Hereditary Cancer Syndrome. Identifiers: Orphanet 140162, MedGen C0027672, MeSH D009386, MONDO:0015356.
Familial cancer of breast. Also called: BREAST CANCER, FAMILIAL; Hereditary breast cancer; hereditary breast carcinoma. Identifiers: Orphanet 227535, MedGen C0346153, MONDO:0016419, OMIM 114480. Disease mechanism: loss of function.

Allele frequency attached by ClinVar (database versions not stated): gnomAD exomes below 0.00001.
gnomAD v4.1: 1 of 1,614,198 alleles (0.000062%); highest among the groups gnomAD compares: Non-Finnish European, 0.000085%; no homozygotes.

Submissions (5):

Labcorp Genetics (formerly Invitae), Labcorp
Classification: Uncertain significance for Familial cancer of breast. Last evaluated: 2025-09-19. Review status: criteria provided, single submitter. Criteria: Invitae Variant Classification Sherloc (09022015). Collection method: clinical testing. Allele origin: germline.
Comment: This sequence change replaces serine, which is neutral and polar, with leucine, which is neutral and non-polar, at codon 815 of the PALB2 protein (p.Ser815Leu). This variant is not present in population databases (gnomAD no frequency). This variant has not been reported in the literature in individuals affected with PALB2-related conditions. ClinVar contains an entry for this variant (Variation ID: 246052). Invitae Evidence Modeling of protein sequence and biophysical properties (such as structural, functional, and spatial information, amino acid conservation, physicochemical variation, residue mobility, and thermodynamic stability) indicates that this missense variant is not expected to disrupt PALB2 protein function with a negative predictive value of 80%. In summary, the available evidence is currently insufficient to determine the role of this variant in disease. Therefore, it has been classified as a Variant of Uncertain Significance.

Mayo Clinic Laboratories, Mayo Clinic
Classification: Uncertain significance. Last evaluated: 2025-01-21. Review status: criteria provided, single submitter. Criteria: ACMG Guidelines, 2015. Collection method: clinical testing. Allele origin: germline. Observed: 1 variant allele.
Comment: BP1, PM2_supporting

Color Diagnostics, LLC DBA Color Health
Classification: Uncertain significance for Hereditary cancer-predisposing syndrome. Last evaluated: 2024-03-06. Review status: criteria provided, single submitter. Criteria: ACMG Guidelines, 2015. Collection method: clinical testing. Allele origin: germline.
Comment: This missense variant replaces serine with leucine at codon 815 of the PALB2 protein. Computational prediction suggests that this variant may not impact protein structure and function (internally defined REVEL score threshold <= 0.5, PMID: 27666373). To our knowledge, functional studies have not been reported for this variant. This variant has not been reported in individuals affected with PALB2-related disorders in the literature. This variant has not been identified in the general population by the Genome Aggregation Database (gnomAD). The available evidence is insufficient to determine the role of this variant in disease conclusively. Therefore, this variant is classified as a Variant of Uncertain Significance.

Ambry Genetics
Classification: Uncertain significance for Hereditary cancer-predisposing syndrome. Last evaluated: 2023-06-01. Review status: criteria provided, single submitter. Criteria: Ambry Variant Classification Scheme 2023. Collection method: clinical testing. Allele origin: germline.
Comment: The p.S815L variant (also known as c.2444C>T), located in coding exon 5 of the PALB2 gene, results from a C to T substitution at nucleotide position 2444. The serine at codon 815 is replaced by leucine, an amino acid with dissimilar properties. This amino acid position is well conserved in available vertebrate species. In addition, this alteration is predicted to be tolerated by in silico analysis. Since supporting evidence is limited at this time, the clinical significance of this alteration remains unclear.

GeneDx
Classification: Uncertain significance. Last evaluated: 2019-06-27. Review status: criteria provided, single submitter. Criteria: GeneDx Variant Classification Process June 2021. Collection method: clinical testing. Allele origin: germline. Affected: yes.
Comment: Not observed in large population cohorts (Lek et al., 2016); In silico analysis, which includes protein predictors and evolutionary conservation, supports a deleterious effect; Has not been previously published as pathogenic or benign to our knowledge

Literature cited by the submitters: PubMed 34284872 (cited by Mayo Clinic Laboratories, Mayo Clinic).